The following is an entry in ClinVar:

ClinVar aggregate classification (germline): Likely benign. Review status: criteria provided, multiple submitters, no conflicts (2 of 4 stars). 2 submissions from 2 submitters: Likely benign (2). Last evaluated 2025-11-23.

Allele frequency attached by ClinVar (database versions not stated): gnomAD 0.00004 and 0.00005; gnomAD exomes 0.00004; TOPMed 0.00010; 1000 Genomes Project 0.00020; 1000 Genomes Project 30x 0.00031.
gnomAD v4.1: 63 of 1,565,610 alleles (0.004%); highest among the groups gnomAD compares: Admixed American, 0.082%; no homozygotes.

Submissions (2):

Labcorp Genetics (formerly Invitae), Labcorp
Classification: Likely benign. Last evaluated: 2025-11-23. Review status: criteria provided, single submitter. Criteria: Invitae Variant Classification Sherloc (09022015). Collection method: clinical testing. Allele origin: germline.

GeneDx
Classification: Likely benign. Last evaluated: 2018-01-17. Review status: criteria provided, single submitter. Criteria: GeneDx Variant Classification (06012015). Collection method: clinical testing. Allele origin: germline. Affected: yes.
Comment: This variant is considered likely benign or benign based on one or more of the following criteria: it is a conservative change, it occurs at a poorly conserved position in the protein, it is predicted to be benign by multiple in silico algorithms, and/or has population frequency not consistent with disease.

NM_024120.5(NDUFAF5):c.520-11A>G

Gene: NDUFAF5 (NADH:ubiquinone oxidoreductase complex assembly factor 5; plus strand). Cytogenetic location: 20p12.1.
Variant type: single nucleotide variant.
Coding change: c.520-11A>G on transcript NM_024120.5 (MANE Select); 11 bases into the intron before coding-DNA position 520, A replaced by G.
Molecular consequence: intron variant.
Genome position (GRCh38, 1-based): chr20:13,801,475, A>G. VCF-style: chr20-13801475-A-G. GRCh37 (hg19) VCF-style: chr20-13782121-A-G.
Other names: c.-42-11A>G (NM_001352407.2, NM_001352406.2); c.436-11A>G (NM_001039375.3); c.49-11A>G (NM_001352403.2); c.520-11A>G (NM_001352408.2).
Identifiers: ClinVar variation 517076 (VCV000517076.9), dbSNP rs193289189, ClinGen allele CA9767800.